The following is an entry in ClinVar:

NM_003200.5(TCF3):c.334G>A (p.Gly112Arg)

Gene: TCF3 (transcription factor 3; minus strand). Cytogenetic location: 19p13.3.
Variant type: single nucleotide variant.
Coding change: c.334G>A on transcript NM_003200.5 (MANE Select); coding-DNA position 334, G replaced by A.
Protein change: p.Gly112Arg; replaces glycine 112 with arginine.
Molecular consequence: missense variant.
Genome position (GRCh38, 1-based): chr19:1,627,391, C>T on the plus strand (G>A on the coding strand, the complement: TCF3 is on the minus strand). VCF-style: chr19-1627391-C-T. GRCh37 (hg19) VCF-style: chr19-1627390-C-T.
Other names: c.334G>A, p.Gly112Arg (NM_001136139.4, NM_001351778.2, NM_001351779.2); c.334G>A (NM_003200.3); short protein forms G112R.
Identifiers: ClinVar variation 2074558 (VCV002074558.5), dbSNP rs758090731, ClinGen allele CA9050448.

ClinVar aggregate classification (germline): Uncertain significance. Review status: criteria provided, multiple submitters, no conflicts (2 of 4 stars). 2 submissions from 2 submitters: Uncertain significance (2). Last evaluated 2025-03-13.

Conditions:
TCF3-related disorder. Also called: TCF3-related condition.

Allele frequency attached by ClinVar (database versions not stated): gnomAD exomes 0.00004; ExAC 0.00005; TOPMed 0.00006; gnomAD 0.00007.
gnomAD v4.1: 69 of 1,611,882 alleles (0.0043%); highest among the groups gnomAD compares: African/African-American, 0.015%; no homozygotes.

Submissions (2):

Labcorp Genetics (formerly Invitae), Labcorp
Classification: Uncertain significance. Last evaluated: 2025-03-13. Review status: criteria provided, single submitter. Criteria: Invitae Variant Classification Sherloc (09022015). Collection method: clinical testing. Allele origin: germline.
Comment: This sequence change replaces glycine, which is neutral and non-polar, with arginine, which is basic and polar, at codon 112 of the TCF3 protein (p.Gly112Arg). This variant is present in population databases (rs758090731, gnomAD 0.01%). This variant has not been reported in the literature in individuals affected with TCF3-related conditions. ClinVar contains an entry for this variant (Variation ID: 2074558). Invitae Evidence Modeling of protein sequence and biophysical properties (such as structural, functional, and spatial information, amino acid conservation, physicochemical variation, residue mobility, and thermodynamic stability) indicates that this missense variant is expected to disrupt TCF3 protein function with a positive predictive value of 80%. In summary, the available evidence is currently insufficient to determine the role of this variant in disease. Therefore, it has been classified as a Variant of Uncertain Significance.

PreventionGenetics, part of Exact Sciences
Classification: Uncertain significance for TCF3-related condition. Last evaluated: 2023-09-25. Review status: criteria provided, single submitter. Criteria: ACMG Guidelines, 2015. Collection method: clinical testing. Allele origin: germline.
Comment: The TCF3 c.334G>A variant is predicted to result in the amino acid substitution p.Gly112Arg. To our knowledge, this variant has not been reported in the literature. This variant is reported in 0.013% of alleles in individuals of South Asian descent in gnomAD. At this time, the clinical significance of this variant is uncertain due to the absence of conclusive functional and genetic evidence.